The following is an entry in ClinVar:

NM_001194998.2(CEP152):c.2195G>A (p.Cys732Tyr)

Gene: CEP152 (centrosomal protein 152; minus strand). Cytogenetic location: 15q21.1.
Variant type: single nucleotide variant.
Coding change: c.2195G>A on transcript NM_001194998.2 (MANE Select); coding-DNA position 2195, G replaced by A.
Protein change: p.Cys732Tyr; replaces cysteine 732 with tyrosine.
Molecular consequence: missense variant.
Genome position (GRCh38, 1-based): chr15:48,767,145, C>T on the plus strand (G>A on the coding strand, the complement: CEP152 is on the minus strand). VCF-style: chr15-48767145-C-T. GRCh37 (hg19) VCF-style: chr15-49059342-C-T.
Other names: c.2195G>A, p.Cys732Tyr (NM_014985.4); short protein forms C732Y.
Identifiers: ClinVar variation 4804504 (VCV004804504.1).
Genomic context (GRCh38, chr15:48,767,145, plus strand): 5'-TCAGTGGTCTTCCTGAGAGTCAATTCTAGATTATCCTTCTCTCTGCACACTTCTAGGTAA[C>T]ATTCCTGCACAGCAGTCACCTCCTTATTCAACTTATCCAACTCAGACCTTGGATACACAA-3'
Protein context (NP_001181927.1, residues 722-742): LNKEVTAVQE[Cys732Tyr]YLEVCREKDN

ClinVar aggregate classification (germline): Uncertain significance (1 of 4 stars; one submission).

Submission:

Labcorp Genetics (formerly Invitae), Labcorp
Classification: Uncertain significance. Last evaluated: 2025-07-20. Review status: criteria provided, single submitter. Criteria: Invitae Variant Classification Sherloc (09022015). Collection method: clinical testing. Allele origin: germline.
Comment: This sequence change replaces cysteine, which is neutral and slightly polar, with tyrosine, which is neutral and polar, at codon 732 of the CEP152 protein (p.Cys732Tyr). This variant is not present in population databases (gnomAD no frequency). This variant has not been reported in the literature in individuals affected with CEP152-related conditions. Invitae Evidence Modeling of protein sequence and biophysical properties (such as structural, functional, and spatial information, amino acid conservation, physicochemical variation, residue mobility, and thermodynamic stability) has been performed for this missense variant. However, the output from this modeling did not meet the statistical confidence thresholds required to predict the impact of this variant on CEP152 protein function. In summary, the available evidence is currently insufficient to determine the role of this variant in disease. Therefore, it has been classified as a Variant of Uncertain Significance.